The following is an entry in ClinVar:

ClinVar aggregate classification (germline): Uncertain significance (0 of 4 stars; one submission).

Conditions:
NPHP4-related disorder. Also called: NPHP4-related condition; NPHP4-related disorders. Identifiers: MedGen CN239384.

Submission:

PreventionGenetics, part of Exact Sciences
Classification: Uncertain significance for NPHP4-related condition. Last evaluated: 2023-10-18. Review status: no assertion criteria provided. Collection method: clinical testing. Allele origin: germline.
Comment: The NPHP4 c.1255C>A variant is predicted to result in the amino acid substitution p.His419Asn. To our knowledge, this variant has not been reported in the literature or in a large population database, indicating this variant is rare. At this time, the clinical significance of this variant is uncertain due to the absence of conclusive functional and genetic evidence.

NM_015102.5(NPHP4):c.1255C>A (p.His419Asn)

Gene: NPHP4 (nephrocystin 4; minus strand). Cytogenetic location: 1p36.31.
Variant type: single nucleotide variant.
Coding change: c.1255C>A on transcript NM_015102.5 (MANE Select); coding-DNA position 1255, C replaced by A.
Protein change: p.His419Asn; replaces histidine 419 with asparagine.
Molecular consequence: missense variant. On other transcripts: 5 prime UTR variant (2), non-coding transcript variant (1).
Genome position (GRCh38, 1-based): chr1:5,933,194, G>T on the plus strand (C>A on the coding strand, the complement: NPHP4 is on the minus strand). VCF-style: chr1-5933194-G-T. GRCh37 (hg19) VCF-style: chr1-5993254-G-T.
Other names: c.-112C>A (NM_001291593.2, NM_001291594.2); short protein forms H419N.
Identifiers: ClinVar variation 3033086 (VCV003033086.2), dbSNP rs1646365768, ClinGen allele CA338061066.